The following is an entry in ClinVar:

NM_004304.5(ALK):c.-539G>A

Gene: ALK (ALK receptor tyrosine kinase; minus strand). Cytogenetic location: 2p23.1.
Variant type: single nucleotide variant.
Coding change: c.-539G>A on transcript NM_004304.5 (MANE Select); 539 bases upstream of the start codon, G replaced by A.
Molecular consequence: 5 prime UTR variant.
Genome position (GRCh38, 1-based): chr2:29,921,198, C>T on the plus strand (G>A on the coding strand, the complement: ALK is on the minus strand). VCF-style: chr2-29921198-C-T. GRCh37 (hg19) VCF-style: chr2-30144064-C-T.
Identifiers: ClinVar variation 898359 (VCV000898359.4), dbSNP rs200662898, ClinGen allele CA45004873.
Genomic context (GRCh38, chr2:29,921,198, plus strand): 5'-GGCCGCCTTTTGCGTTCCTTTTGGCTCCTCCAAGCTCTTCTGCCCGGTCTGGGCGGGAAC[C>T]GAGGGCGGAGGCTGCCGTCTTGCGCACCCTCAAGCTATCTCTCCGCTGCGGGAAGGCTTC-3'

ClinVar aggregate classification (germline): Benign (1 of 4 stars; one submission).

Conditions:
Neuroblastoma, susceptibility to, 3. Also called: ALK-Related Neuroblastic Tumor Susceptibility. Identifiers: Orphanet 635, MedGen C2751681, MONDO:0013083, OMIM 613014.

Allele frequency attached by ClinVar (database versions not stated): gnomAD 0.00060; TOPMed 0.00061; 1000 Genomes Project 0.00120; 1000 Genomes Project 30x 0.00141; gnomAD exomes 0.00141.
gnomAD v4.1: 197 of 234,456 alleles (0.084%); highest among the groups gnomAD compares: East Asian, 0.77%; 1 homozygote.

Submission:

Illumina Laboratory Services, Illumina
Classification: Benign for Neuroblastoma, susceptibility to, 3. Last evaluated: 2017-06-13. Review status: criteria provided, single submitter. Criteria: ICSL Variant Classification Criteria 13 December 2019. Collection method: clinical testing. Allele origin: germline.
Comment: This variant was observed as part of a predisposition screen in an ostensibly healthy population. A literature search was performed for the gene, cDNA change, and amino acid change (where applicable). No publications were found based on this search. Allele frequency data from public databases was too high to be consistent with this variant causing disease. Therefore, this variant is classified as benign.